The following is an entry in ClinVar:

ClinVar aggregate classification (germline): Uncertain significance. Review status: criteria provided, multiple submitters, no conflicts (2 of 4 stars). 2 submissions from 2 submitters: Uncertain significance (2). Last evaluated 2023-11-21.

Allele frequency attached by ClinVar (database versions not stated): gnomAD exomes below 0.00001; gnomAD 0.00002; ExAC 0.00003; TOPMed 0.00004; ESP Exome Variant Server 0.00008.
gnomAD v4.1: 7 of 1,583,442 alleles (0.00044%); highest among the groups gnomAD compares: African/African-American, 0.0095%; no homozygotes.

Submissions (2):

Ambry Genetics
Classification: Uncertain significance. Last evaluated: 2023-11-21. Review status: criteria provided, single submitter. Criteria: Ambry Variant Classification Scheme 2023. Collection method: clinical testing. Allele origin: germline.

Labcorp Genetics (formerly Invitae), Labcorp
Classification: Uncertain significance. Last evaluated: 2022-10-05. Review status: criteria provided, single submitter. Criteria: Invitae Variant Classification Sherloc (09022015). Collection method: clinical testing. Allele origin: germline.
Comment: This variant has not been reported in the literature in individuals affected with ASRGL1-related conditions. The frequency data for this variant in the population databases is considered unreliable, as metrics indicate poor data quality at this position in the gnomAD database. This sequence change replaces aspartic acid, which is acidic and polar, with glycine, which is neutral and non-polar, at codon 57 of the ASRGL1 protein (p.Asp57Gly). In summary, the available evidence is currently insufficient to determine the role of this variant in disease. Therefore, it has been classified as a Variant of Uncertain Significance. Algorithms developed to predict the effect of missense changes on protein structure and function are either unavailable or do not agree on the potential impact of this missense change (SIFT: "Tolerated"; PolyPhen-2: "Probably Damaging"; Align-GVGD: "Class C0"). ClinVar contains an entry for this variant (Variation ID: 1356851).

NM_001083926.2(ASRGL1):c.170A>G (p.Asp57Gly)

Gene: ASRGL1 (asparaginase and isoaspartyl peptidase 1; plus strand). Cytogenetic location: 11q12.3.
Variant type: single nucleotide variant.
Coding change: c.170A>G on transcript NM_001083926.2 (MANE Select); coding-DNA position 170, A replaced by G.
Protein change: p.Asp57Gly; replaces aspartic acid 57 with glycine.
Molecular consequence: missense variant.
Genome position (GRCh38, 1-based): chr11:62,338,147, A>G. VCF-style: chr11-62338147-A-G. GRCh37 (hg19) VCF-style: chr11-62105619-A-G.
Other names: c.170A>G, p.Asp57Gly (NM_025080.4); c.170A>G (NM_001083926.1); short protein forms D57G.
Identifiers: ClinVar variation 1356851 (VCV001356851.9), dbSNP rs373959296, ClinGen allele CA6043105.